The following is an entry in ClinVar:

NM_020964.3(EPG5):c.804G>A (p.Trp268Ter)

Gene: EPG5 (ectopic P-granules 5 autophagy tethering factor; minus strand). Cytogenetic location: 18q21.1.
Variant type: single nucleotide variant.
Coding change: c.804G>A on transcript NM_020964.3 (MANE Select); coding-DNA position 804, G replaced by A.
Protein change: p.Trp268Ter; replaces tryptophan 268 with a stop codon.
Molecular consequence: nonsense.
Genome position (GRCh38, 1-based): chr18:45,954,598, C>T on the plus strand (G>A on the coding strand, the complement: EPG5 is on the minus strand). VCF-style: chr18-45954598-C-T. GRCh37 (hg19) VCF-style: chr18-43534564-C-T.
Other names: c.804G>A, p.Trp268Ter (NM_001410858.1, NM_001410859.1); short protein forms W268*.
Identifiers: ClinVar variation 2632610 (VCV002632610.1), dbSNP rs2512124332, ClinGen allele CA402350941.

ClinVar aggregate classification (germline): Likely pathogenic (1 of 4 stars; one submission).

Conditions:
EPG5-related disorder. Also called: EPG5-related condition. Identifiers: MedGen CN381528.

Submission:

PreventionGenetics, part of Exact Sciences
Classification: Likely pathogenic for EPG5-related condition. Last evaluated: 2023-06-02. Review status: criteria provided, single submitter. Criteria: ACMG Guidelines, 2015. Collection method: clinical testing. Allele origin: germline.
Comment: The EPG5 c.804G>A variant is predicted to result in premature protein termination (p.Trp268*). To our knowledge, this variant has not been reported in the literature or in a large population database, indicating this variant is rare. Nonsense variants in EPG5 are expected to be pathogenic. This variant is interpreted as likely pathogenic.